The following is an entry in ClinVar:

ClinVar aggregate classification (germline): Uncertain significance (1 of 4 stars; one submission).

Conditions:
Primary ciliary dyskinesia. Also called: Ciliary dyskinesia. Identifiers: Orphanet 244, MedGen C0008780, MONDO:0016575, HP:0012265.

Submission:

Labcorp Genetics (formerly Invitae), Labcorp
Classification: Uncertain significance for Primary ciliary dyskinesia. Last evaluated: 2021-07-04. Review status: criteria provided, single submitter. Criteria: Invitae Variant Classification Sherloc (09022015). Collection method: clinical testing. Allele origin: germline.
Comment: A copy number gain of the genomic region encompassing the full coding sequence of the DNAAF2 gene has been identified. The boundaries of this event are unknown as they extend beyond the assayed region for this gene and therefore may encompass additional genes. As the precise location of this event is unknown, it may be in tandem or it may be located elsewhere in the genome. This variant has not been reported in the literature in individuals affected with DNAAF2-related conditions. In summary, the available evidence is currently insufficient to determine the role of this variant in disease. Therefore, it has been classified as a Variant of Uncertain Significance.

NC_000014.8:g.(?_50050385)_(50118115_?)dup

Genes: POLE2 (DNA polymerase epsilon 2, accessory subunit; minus strand), DNAAF2 (dynein axonemal assembly factor 2; minus strand), LRR1 (leucine rich repeat protein 1; plus strand), MGAT2 (alpha-1,6-mannosyl-glycoprotein 2-beta-N-acetylglucosaminyltransferase; plus strand), RN7SL1 (RNA component of signal recognition particle 7SL1; plus strand) and 2 more. Cytogenetic location: 14q21.3.
Variant type: Duplication.
Identifiers: ClinVar variation 1412143 (VCV001412143.12).